The following is an entry in ClinVar:

NM_006005.3(WFS1):c.2509T>C (p.Trp837Arg)

Gene: WFS1 (wolframin ER transmembrane glycoprotein; plus strand). Cytogenetic location: 4p16.1.
Variant type: single nucleotide variant.
Coding change: c.2509T>C on transcript NM_006005.3 (MANE Select); coding-DNA position 2509, T replaced by C.
Protein change: p.Trp837Arg; replaces tryptophan 837 with arginine.
Molecular consequence: missense variant.
Genome position (GRCh38, 1-based): chr4:6,302,304, T>C. VCF-style: chr4-6302304-T-C. GRCh37 (hg19) VCF-style: chr4-6304031-T-C.
Other names: c.2509T>C, p.Trp837Arg (NM_001145853.1); short protein forms W837R.
Identifiers: ClinVar variation 4802692 (VCV004802692.1).

ClinVar aggregate classification (germline): Uncertain significance (1 of 4 stars; one submission).

gnomAD v4.1: 1 of 1,609,240 alleles (0.000062%); highest among the groups gnomAD compares: Non-Finnish European, 0.000085%; no homozygotes.

Submission:

Labcorp Genetics (formerly Invitae), Labcorp
Classification: Uncertain significance. Last evaluated: 2025-10-14. Review status: criteria provided, single submitter. Criteria: Invitae Variant Classification Sherloc (09022015). Collection method: clinical testing. Allele origin: germline.
Comment: This sequence change replaces tryptophan, which is neutral and slightly polar, with arginine, which is basic and polar, at codon 837 of the WFS1 protein (p.Trp837Arg). This variant is not present in population databases (gnomAD no frequency). This variant has not been reported in the literature in individuals affected with WFS1-related conditions. Invitae Evidence Modeling of protein sequence and biophysical properties (such as structural, functional, and spatial information, amino acid conservation, physicochemical variation, residue mobility, and thermodynamic stability) has been performed for this missense variant. However, the output from this modeling did not meet the statistical confidence thresholds required to predict the impact of this variant on WFS1 protein function. In summary, the available evidence is currently insufficient to determine the role of this variant in disease. Therefore, it has been classified as a Variant of Uncertain Significance.